The following is an entry in ClinVar:

NM_000038.6(APC):c.3077A>G (p.Asn1026Ser)

Gene: APC (APC regulator of Wnt signaling pathway; plus strand). Cytogenetic location: 5q22.2.
Variant type: single nucleotide variant.
Coding change: c.3077A>G on transcript NM_000038.6 (MANE Select); coding-DNA position 3077, A replaced by G.
Protein change: p.Asn1026Ser; replaces asparagine 1026 with serine.
Molecular consequence: missense variant.
Genome position (GRCh38, 1-based): chr5:112,838,671, A>G. VCF-style: chr5-112838671-A-G. GRCh37 (hg19) VCF-style: chr5-112174368-A-G.
Other names: NM_001354906.2:c.2228A>G; c.3077A>G, p.Asn1026Ser (NM_001127510.3, NM_001354895.2); c.3023A>G, p.Asn1008Ser (NM_001127511.3); c.3131A>G, p.Asn1044Ser (NM_001354896.2); c.3107A>G, p.Asn1036Ser (NM_001354897.2); c.3002A>G, p.Asn1001Ser (NM_001354898.2); c.2993A>G, p.Asn998Ser (NM_001354899.2); c.2954A>G, p.Asn985Ser (NM_001354900.2); and 7 more; short protein forms N1001S, N1008S, N1036S, N925S, N743S, N935S, N985S, N1026S.
Identifiers: ClinVar variation 1393312 (VCV001393312.12), dbSNP rs1114167603, ClinGen allele CA16028071.
Genomic context (GRCh38, chr5:112,838,671, plus strand): 5'-ATAAAATACATAGTGCAAATCATATGGATGATAATGATGGAGAACTAGATACACCAATAA[A>G]TTATAGTCTTAAATATTCAGATGAGCAGTTGAACTCTGGAAGGCAAAGTCCTTCACAGAA-3'
Protein context (NP_000029.2, residues 1016-1036): DNDGELDTPI[Asn1026Ser]YSLKYSDEQL

ClinVar aggregate classification (germline): Likely pathogenic. Review status: reviewed by expert panel (3 of 4 stars). 3 submissions from 3 submitters: Likely pathogenic (1). 2 of the submissions do not count toward it. Last evaluated 2023-02-25.

Conditions:
Hereditary cancer-predisposing syndrome. Also called: Neoplastic Syndromes, Hereditary; Hereditary neoplastic syndrome; Tumor predisposition; Hereditary Cancer Syndrome. Identifiers: Orphanet 140162, MedGen C0027672, MeSH D009386, MONDO:0015356.
Familial adenomatous polyposis 1 (FAP1). Also called: FAMILIAL ADENOMATOUS POLYPOSIS 1, ATTENUATED; POLYPOSIS, ADENOMATOUS INTESTINAL. Identifiers: MedGen C2713442, MONDO:0021056, OMIM 175100. Disease mechanism: loss of function.

Allele frequency attached by ClinVar (database versions not stated): gnomAD exomes below 0.00001.
gnomAD v4.1: 1 of 1,614,208 alleles (0.000062%); highest among the groups gnomAD compares: Non-Finnish European, 0.000085%; no homozygotes.

Submissions (3):

ClinGen InSiGHT Hereditary Colorectal Cancer/Polyposis Variant Curation Expert Panel
Classification: Likely pathogenic for Familial adenomatous polyposis 1. Last evaluated: 2023-02-25. Review status: reviewed by expert panel. Criteria: ClinGen InSiGHT HCCP VCEP ACMG Specifications APC V1. Collection method: curation. Allele origin: germline. Inheritance: Autosomal dominant inheritance.
Comment: The c.3077A>G variant in APC is a missense variant predicted to cause the substitution of asparagine by serine at amino acid position 1026 (p.Asn1026Ser). This variant has been reported to segregate with FAP in more than 7 meioses in 2 families (PP1_strong; PMID 18166348, Barcelona internal data). Increased beta-catenin regulated transcription activity and decreased binding to beta-catenin by surface plasmon resonance are also demonstrated (PS3_Supporting; PMID18166348). This variant has been reported in 2 families meeting phenotypic criteria, resulting in a total phenotype score of 3.5 points (PS4_Moderate, PMID 18166348, Invitae and Barcelona Internal data). Finally, this variant is absent from gnomAD v2.1.1 (PM2_Supporting). In summary, this variant meets the criteria to be classified as Likely Pathogenic for FAP based on the ACMG/AMP criteria applied, as specified by the ClinGen InSiGHT Hereditary Colorectal Cancer/Polyposis Variant Curation Expert Panel: PP1_Strong, PS4_Moderate, PS3_Supporting, and PM2_Supporting (VCEP specifications version 1; date of approval: 12/12/2022).

Labcorp Genetics (formerly Invitae), Labcorp
Classification: Pathogenic for Familial adenomatous polyposis 1. Last evaluated: 2025-12-18. Review status: criteria provided, single submitter. Criteria: Invitae Variant Classification Sherloc (09022015). Collection method: clinical testing. Allele origin: germline. Not counted in ClinVar's aggregate classification.
Comment: This sequence change replaces asparagine, which is neutral and polar, with serine, which is neutral and polar, at codon 1026 of the APC protein (p.Asn1026Ser). This variant is not present in population databases (gnomAD no frequency). This missense change has been observed in individual(s) with attenuated familial adenomatous polyposis (AFAP) (PMID: 18166348). It has also been observed to segregate with disease in related individuals. ClinVar contains an entry for this variant (Variation ID: 1393312). Invitae Evidence Modeling of protein sequence and biophysical properties (such as structural, functional, and spatial information, amino acid conservation, physicochemical variation, residue mobility, and thermodynamic stability) indicates that this missense variant is not expected to disrupt APC protein function with a negative predictive value of 95%. Experimental studies have shown that this missense change affects APC function (PMID: 18166348). For these reasons, this variant has been classified as Pathogenic.

Ambry Genetics
Classification: Likely pathogenic for Hereditary cancer-predisposing syndrome. Last evaluated: 2025-01-08. Review status: criteria provided, single submitter. Criteria: Ambry Variant Classification Scheme 2023. Collection method: clinical testing. Allele origin: germline. Not counted in ClinVar's aggregate classification.
Comment: The p.N1026S variant (also known as c.3077A>G), located in coding exon 15 of the APC gene, results from an A to G substitution at nucleotide position 3077. The asparagine at codon 1026 is replaced by serine, an amino acid with highly similar properties. This alteration has been reported in individuals affected with features consistent with APC-associated attenuated familial adenomatous polyposis (AFAP), and has been reported to segregate with disease in family members (Men&eacute;ndez M et al. Gastroenterology, 2008 Jan;134:56-64; Spier I et al. Genet Med. 2024 Feb;26(2):100992; external communication), In addition, functional studies indicated that the variant impaired binding to beta-catenin and resulted in increased beta-catenin-regulated transcriptional activity (Men&eacute;ndez M et al. Gastroenterology, 2008 Jan;134:56-64). This amino acid position is highly conserved in available vertebrate species. In silico predictors for this gene do not accurately predict pathogenicity. This variant is considered to be rare based on population cohorts in the Genome Aggregation Database (gnomAD). Based on the majority of available evidence to date, this variant is likely to be pathogenic.

Literature cited by the submitters: PubMed 18166348 (cited by Labcorp Genetics (formerly Invitae), Labcorp and Ambry Genetics); PubMed 20434453 (cited by Ambry Genetics); PubMed 37800450 (cited by Ambry Genetics).